The following is an entry in ClinVar:

NM_006579.3(EBP):c.184C>T (p.Arg62Trp)

Gene: EBP (EBP cholestenol delta-isomerase; plus strand). Cytogenetic location: Xp11.23.
Variant type: single nucleotide variant.
Coding change: c.184C>T on transcript NM_006579.3 (MANE Select); coding-DNA position 184, C replaced by T.
Protein change: p.Arg62Trp; replaces arginine 62 with tryptophan.
Molecular consequence: missense variant.
Genome position (GRCh38, 1-based): chrX:48,523,955, C>T. VCF-style: chrX-48523955-C-T. GRCh37 (hg19) VCF-style: chrX-48382343-C-T.
Other names: short protein forms R62W.
Identifiers: ClinVar variation 1410474 (VCV001410474.10), dbSNP rs372974717, ClinGen allele CA412851457.

ClinVar aggregate classification (germline): Conflicting classifications of pathogenicity. Review status: criteria provided, conflicting classifications (1 of 4 stars). 4 submissions from 4 submitters: Pathogenic (2); Likely pathogenic (1); Uncertain significance (1). Last evaluated 2026-08-06.

Conditions:
Chondrodysplasia punctata 2 X-linked dominant (CDPX2). Also called: EBP-Related X-Linked Chondrodysplasia Punctata; CONRADI-HUNERMANN-HAPPLE SYNDROME; HAPPLE SYNDROME; Hunermann-Conradi Syndrome. Identifiers: Orphanet 35173, MedGen C0282102, MONDO:0020603, OMIM 302960.
EBP-related disorders.

Allele frequency attached by ClinVar (database versions not stated): gnomAD exomes below 0.00001.
gnomAD v4.1: 1 of 1,211,293 alleles (0.000083%); highest among the groups gnomAD compares: South Asian, 0.0018%; no homozygotes.

Submissions (4):

OLLIN Analises Genomicas, OLLIN
Classification: Uncertain significance for Chondrodysplasia punctata 2 X-linked dominant. Last evaluated: 2026-08-06. Review status: criteria provided, single submitter. Criteria: ACMG Guidelines 2015 PMID 25741868. Collection method: clinical testing. Allele origin: germline. Inheritance: X-linked inheritance.
Comment: This missense variant, located in exon 2 (of 5), has been reported in ClinVar (accession VCV001410474.8), in gnomAD with an allele frequency of 0.000083%, and in the scientific literature in individuals with EBP related disorders (PMID: 30098249, 17949453). In silico analysis predicts that this variant has a deleterious effect. According to the currently available evidence, this variant has been classified as uncertain significance (PS4_P, PM2_P, PP3_M).

Labcorp Genetics (formerly Invitae), Labcorp
Classification: Pathogenic. Last evaluated: 2023-08-24. Review status: criteria provided, single submitter. Criteria: Invitae Variant Classification Sherloc (09022015). Collection method: clinical testing. Allele origin: germline.
Comment: This missense change has been observed in individuals with X-linked dominant chondrodysplasia punctata (PMID: 12509714, 17949453, 30098249). For these reasons, this variant has been classified as Pathogenic. Algorithms developed to predict the effect of sequence changes on RNA splicing suggest that this variant may create or strengthen a splice site. Advanced modeling of protein sequence and biophysical properties (such as structural, functional, and spatial information, amino acid conservation, physicochemical variation, residue mobility, and thermodynamic stability) has been performed at Invitae for this missense variant, however the output from this modeling did not meet the statistical confidence thresholds required to predict the impact of this variant on EBP protein function. ClinVar contains an entry for this variant (Variation ID: 1410474). This variant is not present in population databases (gnomAD no frequency). This sequence change replaces arginine, which is basic and polar, with tryptophan, which is neutral and slightly polar, at codon 62 of the EBP protein (p.Arg62Trp).

Blueprint Genetics
Classification: Pathogenic for EBP-related disorders. Last evaluated: 2023-04-26. Review status: criteria provided, single submitter. Criteria: ACMG Guidelines, 2015. Collection method: clinical testing. Allele origin: germline. Affected: yes. Observed: 3 variant alleles.

Kasturba Medical College, Manipal, Kasturba Medical College, Manipal, Manipal Academy of Higher Education, Manipal, India
Classification: Likely pathogenic for Chondrodysplasia punctata 2 X-linked dominant. Last evaluated: 2022-05-09. Review status: criteria provided, single submitter. Criteria: ACMG Guidelines, 2015. Collection method: clinical testing. Allele origin: germline. Affected: yes.

Literature cited by the submitters: PubMed 30098249 (cited by OLLIN Analises Genomicas, OLLIN and Labcorp Genetics (formerly Invitae), Labcorp); PubMed 17949453 (cited by OLLIN Analises Genomicas, OLLIN and Labcorp Genetics (formerly Invitae), Labcorp); PubMed 12509714 (cited by Labcorp Genetics (formerly Invitae), Labcorp).